The following is an entry in ClinVar:

NM_030973.4(MED25):c.340A>G (p.Ile114Val)

Gene: MED25 (mediator complex subunit 25; plus strand). Cytogenetic location: 19q13.33.
Variant type: single nucleotide variant.
Coding change: c.340A>G on transcript NM_030973.4 (MANE Select); coding-DNA position 340, A replaced by G.
Protein change: p.Ile114Val; replaces isoleucine 114 with valine.
Molecular consequence: missense variant.
Genome position (GRCh38, 1-based): chr19:49,828,483, A>G. VCF-style: chr19-49828483-A-G. GRCh37 (hg19) VCF-style: chr19-50331740-A-G.
Other names: c.340A>G, p.Ile114Val (NM_001378355.1); short protein forms I114V.
Identifiers: ClinVar variation 1906896 (VCV001906896.2), dbSNP rs200516938, ClinGen allele CA9584813.

ClinVar aggregate classification (germline): Uncertain significance (1 of 4 stars; one submission).

Conditions:
Charcot-Marie-Tooth disease type 2. Also called: Charcot-Marie-Tooth type 2. Identifiers: Orphanet 64746, MedGen C0270914, MONDO:0018993.

Allele frequency attached by ClinVar (database versions not stated): gnomAD exomes 0.00001; gnomAD 0.00001; ExAC 0.00002; 1000 Genomes Project 0.00020; 1000 Genomes Project 30x 0.00016; TOPMed 0.00001.

Submission:

Labcorp Genetics (formerly Invitae), Labcorp
Classification: Uncertain significance for Charcot-Marie-Tooth disease type 2. Last evaluated: 2022-01-26. Review status: criteria provided, single submitter. Criteria: Invitae Variant Classification Sherloc (09022015). Collection method: clinical testing. Allele origin: germline.
Comment: This sequence change replaces isoleucine, which is neutral and non-polar, with valine, which is neutral and non-polar, at codon 114 of the MED25 protein (p.Ile114Val). This variant is present in population databases (rs200516938, gnomAD 0.006%). This variant has not been reported in the literature in individuals affected with MED25-related conditions. Algorithms developed to predict the effect of missense changes on protein structure and function are either unavailable or do not agree on the potential impact of this missense change (SIFT: "Deleterious"; PolyPhen-2: "Possibly Damaging"; Align-GVGD: "Class C0"). In summary, the available evidence is currently insufficient to determine the role of this variant in disease. Therefore, it has been classified as a Variant of Uncertain Significance.